The following is an entry in ClinVar:

NM_002835.4(PTPN12):c.911A>G (p.His304Arg)

Gene: PTPN12 (protein tyrosine phosphatase non-receptor type 12; plus strand). Cytogenetic location: 7q11.23.
Variant type: single nucleotide variant.
Coding change: c.911A>G on transcript NM_002835.4 (MANE Select); coding-DNA position 911, A replaced by G.
Protein change: p.His304Arg; replaces histidine 304 with arginine.
Molecular consequence: missense variant.
Genome position (GRCh38, 1-based): chr7:77,611,018, A>G. VCF-style: chr7-77611018-A-G. GRCh37 (hg19) VCF-style: chr7-77240335-A-G.
Other names: c.554A>G, p.His185Arg (NM_001131008.2); c.521A>G, p.His174Arg (NM_001131009.2); short protein forms H174R, H185R, H304R.
Identifiers: ClinVar variation 3054488 (VCV003054488.3), dbSNP rs200238133, ClinGen allele CA4311660.
Genomic context (GRCh38, chr7:77,611,018, plus strand): 5'-AACTTGTTCATAGAGCTATTGCCCAACTGTTTGAAAAACAGCTACAACTATATGAAATTC[A>G]TGGAGCTCAGAAAATTGCTGATGGAGTGGTAGGTGTTCTTGGTCTATTAATTTTAGGAAA-3'
Protein context (NP_002826.3, residues 294-314): FEKQLQLYEI[His304Arg]GAQKIADGVN

ClinVar aggregate classification (germline): Uncertain significance. Review status: criteria provided, single submitter (1 of 4 stars). 2 submissions from 2 submitters: Uncertain significance (1). 1 of the submissions does not count toward it. Last evaluated 2024-01-16.

Conditions:
PTPN12-related disorder. Also called: PTPN12-related condition.

Allele frequency attached by ClinVar (database versions not stated): gnomAD exomes 0.00006; gnomAD 0.00011; ExAC 0.00013.
gnomAD v4.1: 121 of 1,613,060 alleles (0.0075%); highest among the groups gnomAD compares: African/African-American, 0.004%; no homozygotes.

Submissions (2):

Ambry Genetics
Classification: Uncertain significance. Last evaluated: 2024-01-16. Review status: criteria provided, single submitter. Criteria: Ambry Variant Classification Scheme 2023. Collection method: clinical testing. Allele origin: germline.

PreventionGenetics, part of Exact Sciences
Classification: Likely benign for PTPN12-related condition. Last evaluated: 2020-05-21. Review status: no assertion criteria provided. Collection method: clinical testing. Allele origin: germline. Not counted in ClinVar's aggregate classification.
Comment: This variant is classified as likely benign based on ACMG/AMP sequence variant interpretation guidelines (Richards et al. 2015 PMID: 25741868, with internal and published modifications).